The following is an entry in ClinVar:

NM_001136139.4(TCF3):c.1663G>A (p.Glu555Lys)

Gene: TCF3 (transcription factor 3; minus strand). Cytogenetic location: 19p13.3.
Variant type: single nucleotide variant.
Coding change: c.1663G>A on transcript NM_001136139.4 (MANE Plus Clinical); coding-DNA position 1663, G replaced by A.
Protein change: p.Glu555Lys; replaces glutamic acid 555 with lysine.
Molecular consequence: missense variant. On other transcripts: intron variant (2).
Genome position (GRCh38, 1-based): chr19:1,612,357, C>T on the plus strand (G>A on the coding strand, the complement: TCF3 is on the minus strand). VCF-style: chr19-1612357-C-T. GRCh37 (hg19) VCF-style: chr19-1612356-C-T.
Other names: c.1663G>A, p.Glu555Lys (NM_001351779.2); c.1820-508G>A (NM_001351778.2); c.1823-508G>A (NM_003200.5, NM_003200.3); short protein forms E555K.
Identifiers: ClinVar variation 225870 (VCV000225870.13), dbSNP rs879255271, ClinGen allele CA10576120.
Genomic context (GRCh38, chr19:1,612,357, plus strand): 5'-TCTGGCACATGCGCCCCAGCTCCCGGAAGGCCTCGTTAATATCCCGCACGCGCACCCGCT[C>T]CCGCGCGTTATTGGCCATGCGCCTCTCCCGGTCCCTCAGGTCTTTCTCCTCCAGGGACAG-3'
Protein context (NP_001129611.1, residues 545-565): RERRMANNAR[Glu555Lys]RVRVRDINEA

ClinVar aggregate classification (germline): Pathogenic. Review status: criteria provided, multiple submitters, no conflicts (2 of 4 stars). 5 submissions from 5 submitters: Pathogenic (4). 1 of the submissions does not count toward it. Last evaluated 2025-07-30.

Conditions:
Agammaglobulinemia 8, autosomal dominant (AGM8A). Also called: AGAMMAGLOBULINEMIA, AUTOSOMAL DOMINANT, DUE TO TCF3 DEFECT; AGAMMAGLOBULINEMIA 8A, AUTOSOMAL DOMINANT. Identifiers: MedGen C4310786, MONDO:0014840, OMIM 616941.
TCF3-related disorder. Also called: TCF3-related condition.
Inborn genetic diseases. Identifiers: MedGen C0950123, MeSH D030342.

Submissions (5):

Labcorp Genetics (formerly Invitae), Labcorp
Classification: Pathogenic. Last evaluated: 2025-07-30. Review status: criteria provided, single submitter. Criteria: Invitae Variant Classification Sherloc (09022015). Collection method: clinical testing. Allele origin: germline.
Comment: The TCF3 gene has multiple clinically relevant transcripts. This variant occurs in alternate transcript NM_001136139.3, and corresponds to NM_003200.4:c.1823-508G>A in the primary transcript. This sequence change replaces glutamic acid, which is acidic and polar, with lysine, which is basic and polar, at codon 555 of the TCF3 protein (p.Glu555Lys). This variant is not present in population databases (gnomAD no frequency). This missense change has been observed in individual(s) with agammaglobulinemia (PMID: 24216514). In at least one individual the variant was observed to be de novo. ClinVar contains an entry for this variant (Variation ID: 225870). Algorithms developed to predict the effect of variants on gene product structure and function are not available or were not evaluated for this variant. Experimental studies have shown that this missense change affects TCF3 function (PMID: 24216514). Algorithms developed to predict the effect of sequence changes on RNA splicing suggest that this variant is not likely to affect RNA splicing. For these reasons, this variant has been classified as Pathogenic.

Women's Health and Genetics/Laboratory Corporation of America, LabCorp
Classification: Pathogenic for Agammaglobulinemia 8, autosomal dominant. Last evaluated: 2023-06-29. Review status: criteria provided, single submitter. Criteria: LabCorp Variant Classification Summary - May 2015. Collection method: clinical testing. Allele origin: germline.
Comment: Variant summary: TCF3 NM_003200.3:c.1823-508G>A, also annotated as NM_001136139.3:c.1663G>A (p.E555K), is located at a position not widely known to affect splicing within one of the alternate transcripts of TCF3. 4/4 computational tools predict no significant impact on normal splicing. However, these predictions have yet to be confirmed by functional studies. As a missense variant in an alternate transcript, TCF3 c.1663G>A (p.Glu555Lys) results in a conservative amino acid change located in the Myc-type, basic helix-loop-helix (bHLH) domain (IPR011598) of the encoded protein sequence. Four of five in-silico tools predict a damaging impact on protein function. The variant was absent in 248552 control chromosomes (gnomAD). The available data on variant occurrences in the general population are insufficient to allow any conclusion about variant significance. This variant has been reported in the literature as the missense change p.E555K from the alternate transcript encoding the E47 isoform. This variant was reported in five unrelated heterozygous individuals affected with Agammaglobulinaemia and failure of B-cell development (Boisson_2013, Al_Sheikh_2021), and parental testing suggested this was a de novo mutation in all of the patients. These data indicate that the variant is very likely to be associated with disease. At least one publication reports experimental evidence evaluating an impact on protein function for the p.E555K missense change in cells that were transfected with a vector to produce the mutated E47 protein. This demonstrated that the mutant E47 localizes to the nucleus normally but shows substantially reduced binding to the E5 immunoglobulin enhancer probe in vitro compared to the wildtype protein, and exerts a strong dominant negative effect when binding to the probe as a homodimer with wildtype E47 (Boisson_2013). The following publications have been ascertained in the context of this evaluation (PMID: 24216514, 33905048). Three submitters have cited clinical-significance assessments for the variant (in the context of the E47 isoform p.E555K missense change) to ClinVar after 2014, and classified it as pathogenic. Based on the evidence outlined above demonstrating an impact of this nucleotide change to the E47 isoform of TCF3, the variant was classified as pathogenic.

Blueprint Genetics
Classification: Pathogenic for TCF3-related disorders. Last evaluated: 2022-03-11. Review status: criteria provided, single submitter. Criteria: ACMG Guidelines, 2015. Collection method: clinical testing. Allele origin: germline. Affected: yes. Observed: 1 variant allele.

Ambry Genetics
Classification: Pathogenic for Inborn genetic diseases. Last evaluated: 2021-09-09. Review status: criteria provided, single submitter. Criteria: Ambry Variant Classification Scheme 2023. Collection method: clinical testing. Allele origin: germline.
Comment: The c.1663G>A (p.E555K) alteration is located in exon 17 (coding exon 17) of the TCF3 gene. This alteration results from a G to A substitution at nucleotide position 1663, causing the glutamic acid (E) at amino acid position 555 to be replaced by a lysine (K). This variant was not reported in population-based cohorts in the Genome Aggregation Database (gnomAD). This alteration was reported de novo in multiple patients with agammaglobulinemia (Boisson, 2013; Al Sheikh, 2021). This amino acid position is highly conserved in available vertebrate species. In vitro functional expression studies and studies of patient cells with the E555K mutant showed that while the E47 transcription factor protein does localize properly to the nucleus, but it did not perform proper DNA binding and acted in a dominant-negative manner when co-expressed with wildtype. The authors concluded that E47 plays a critical role in enforcing the block in development of B cell precursors that lack functional antigen receptors (Boisson, 2013). This alteration is predicted to be deleterious by in silico analysis. Based on the available evidence, this alteration is classified as pathogenic.

OMIM
Classification: Pathogenic for AGAMMAGLOBULINEMIA 8A, AUTOSOMAL DOMINANT. Last evaluated: 2022-04-12. Review status: no assertion criteria provided. Collection method: literature only. Allele origin: germline. Not counted in ClinVar's aggregate classification.

Literature cited by the submitters: PubMed 24216514 (cited by 4 submitters); PubMed 33905048 (cited by Women's Health and Genetics/Laboratory Corporation of America, LabCorp and Ambry Genetics); PubMed 21693761 (cited by OMIM).